The following is an entry in ClinVar:

NM_000435.3(NOTCH3):c.5864C>T (p.Thr1955Ile)

Gene: NOTCH3 (notch receptor 3; minus strand). Cytogenetic location: 19p13.12.
Variant type: single nucleotide variant.
Coding change: c.5864C>T on transcript NM_000435.3 (MANE Select); coding-DNA position 5864, C replaced by T.
Protein change: p.Thr1955Ile; replaces threonine 1955 with isoleucine.
Molecular consequence: missense variant.
Genome position (GRCh38, 1-based): chr19:15,162,514, G>A on the plus strand (C>T on the coding strand, the complement: NOTCH3 is on the minus strand). VCF-style: chr19-15162514-G-A. GRCh37 (hg19) VCF-style: chr19-15273325-G-A.
Other names: c.5864C>T (NM_000435.2); short protein forms T1955I.
Identifiers: ClinVar variation 1049512 (VCV001049512.2), dbSNP rs574900839, ClinGen allele CA9262510.
Genomic context (GRCh38, chr19:15,162,514, plus strand): 5'-CTGGGGCTCACCTTGCTATCCTGCATGTCCTTATTGGCTCCATTTTTGAGCAGGGCCAAA[G>A]TGGCTTCCACGTTGTTCACAGCCGCAGCCCAGTGTAAGGCTGATTTCCCTGGAGGATGAA-3'
Protein context (NP_000426.2, residues 1945-1965): WAAAVNNVEA[Thr1955Ile]LALLKNGANK

ClinVar aggregate classification (germline): Uncertain significance. Review status: criteria provided, single submitter (1 of 4 stars). 2 submissions from 2 submitters: Uncertain significance (1). 1 of the submissions does not count toward it. Last evaluated 2025-05-29.

Conditions:
Inborn genetic diseases. Identifiers: MedGen C0950123, MeSH D030342.

Allele frequency attached by ClinVar (database versions not stated): gnomAD 0.00001; gnomAD exomes 0.00002; ExAC 0.00004; TOPMed 0.00002.
gnomAD v4.1: 26 of 1,613,934 alleles (0.0016%); highest among the groups gnomAD compares: South Asian, 0.0022%; no homozygotes.

Submissions (2):

Ambry Genetics
Classification: Uncertain significance for Inborn genetic diseases. Last evaluated: 2025-05-29. Review status: criteria provided, single submitter. Criteria: Ambry Variant Classification Scheme 2023. Collection method: clinical testing. Allele origin: germline.

Department of Pathology and Laboratory Medicine, Sinai Health System
Classification: Uncertain significance. Review status: no assertion criteria provided. Collection method: clinical testing. Allele origin: unknown. Affected: yes. Study: The Canadian Open Genetics Repository (COGR). Not counted in ClinVar's aggregate classification.
Comment: The NOTCH3 p.Thr1955Ile variant was not identified in the literature nor was it identified in ClinVar. The variant was identified in dbSNP (ID: rs574900839) and in control databases in 6 of 251404 chromosomes at a frequency of 0.00002387 (Genome Aggregation Database March 6, 2019, v2.1.1). The variant was observed in the following populations: South Asian in 2 of 30614 chromosomes (freq: 0.000065) and European (non-Finnish) in 4 of 113730 chromosomes (freq: 0.000035), but was not observed in the African, Latino, Ashkenazi Jewish, East Asian, European (Finnish), or Other populations. The p.Thr1995 residue is conserved in mammals and computational analyses (PolyPhen-2, SIFT, MutationTaster, Revel, FATHMM, MetaLR, DANN) provide inconsistent predictions regarding the impact to the protein; this information is not very predictive of pathogenicity. The variant occurs outside of the splicing consensus sequence and in silico or computational prediction software programs (Splice AI Exome) do not predict a difference in splicing. In summary, based on the above information the clinical significance of this variant cannot be determined with certainty at this time. This variant is classified as a variant of uncertain significance.